The following is an entry in ClinVar:

NM_016111.4(TELO2):c.1969G>A (p.Val657Met)

Gene: TELO2 (telomere maintenance 2; plus strand). Cytogenetic location: 16p13.3.
Variant type: single nucleotide variant.
Coding change: c.1969G>A on transcript NM_016111.4 (MANE Select); coding-DNA position 1969, G replaced by A.
Protein change: p.Val657Met; replaces valine 657 with methionine.
Molecular consequence: missense variant.
Genome position (GRCh38, 1-based): chr16:1,505,536, G>A. VCF-style: chr16-1505536-G-A. GRCh37 (hg19) VCF-style: chr16-1555537-G-A.
Other names: c.1969G>A, p.Val657Met (NM_001351846.2); c.1969G>A (NM_016111.3); short protein forms V657M.
Identifiers: ClinVar variation 2149531 (VCV002149531.7), dbSNP rs144491833, ClinGen allele CA7812407.

ClinVar aggregate classification (germline): Conflicting classifications of pathogenicity. Review status: criteria provided, conflicting classifications (1 of 4 stars). 2 submissions from 2 submitters: Uncertain significance (1); Likely benign (1). Last evaluated 2025-10-03.

Allele frequency attached by ClinVar (database versions not stated): ESP Exome Variant Server 0.00038; TOPMed 0.00052.

Submissions (2):

GeneDx
Classification: Uncertain significance. Last evaluated: 2025-10-03. Review status: criteria provided, single submitter. Criteria: GeneDx Variant Classification Process June 2021. Collection method: clinical testing. Allele origin: germline. Affected: yes.
Comment: In silico analysis suggests that this missense variant does not alter protein structure/function; This variant is associated with the following publications: (PMID: 32709525)

Labcorp Genetics (formerly Invitae), Labcorp
Classification: Likely benign. Last evaluated: 2025-09-02. Review status: criteria provided, single submitter. Criteria: Invitae Variant Classification Sherloc (09022015). Collection method: clinical testing. Allele origin: germline.